The following is an entry in ClinVar:

NM_001330723.2(SNX27):c.1238T>C (p.Met413Thr)

Gene: SNX27 (sorting nexin 27; plus strand). Cytogenetic location: 1q21.3.
Variant type: single nucleotide variant.
Coding change: c.1238T>C on transcript NM_001330723.2 (MANE Select); coding-DNA position 1238, T replaced by C.
Protein change: p.Met413Thr; replaces methionine 413 with threonine.
Molecular consequence: missense variant.
Genome position (GRCh38, 1-based): chr1:151,683,444, T>C. VCF-style: chr1-151683444-T-C. GRCh37 (hg19) VCF-style: chr1-151655920-T-C.
Other names: c.1238T>C, p.Met413Thr (NM_030918.6); short protein forms M413T.
Identifiers: ClinVar variation 1365647 (VCV001365647.8), dbSNP rs2102724392, ClinGen allele CA341969787.

ClinVar aggregate classification (germline): Uncertain significance (1 of 4 stars; one submission).

Conditions:
Severe myoclonic epilepsy in infancy (DRVT). Also called: Epileptic encephalopathy, early infantile, 6 (Dravet syndrome); Dravet syndrome; Severe Myoclonic Epilepsy in Infancy (SMEI); SEVERE MYOCLONIC EPILEPSY OF INFANCY; DEVELOPMENTAL AND EPILEPTIC ENCEPHALOPATHY 6A. Identifiers: Orphanet 33069, MedGen C0751122, MONDO:0100135, OMIM 607208.

Allele frequency attached by ClinVar (database versions not stated): gnomAD exomes below 0.00001.
gnomAD v4.1: 1 of 1,612,000 alleles (0.000062%); highest among the groups gnomAD compares: African/African-American, 0.0013%; no homozygotes.

Submission:

Labcorp Genetics (formerly Invitae), Labcorp
Classification: Uncertain significance for Severe myoclonic epilepsy in infancy. Last evaluated: 2024-02-16. Review status: criteria provided, single submitter. Criteria: Invitae Variant Classification Sherloc (09022015). Collection method: clinical testing. Allele origin: germline.
Comment: This sequence change replaces methionine, which is neutral and non-polar, with threonine, which is neutral and polar, at codon 413 of the SNX27 protein (p.Met413Thr). This variant is not present in population databases (gnomAD no frequency). This variant has not been reported in the literature in individuals affected with SNX27-related conditions. ClinVar contains an entry for this variant (Variation ID: 1365647). An algorithm developed to predict the effect of missense changes on protein structure and function (PolyPhen-2) suggests that this variant is likely to be tolerated. In summary, the available evidence is currently insufficient to determine the role of this variant in disease. Therefore, it has been classified as a Variant of Uncertain Significance.